The following is an entry in ClinVar:

NM_177559.3(CSNK2A1):c.787A>G (p.Ile263Val)

Gene: CSNK2A1 (casein kinase 2 alpha 1; minus strand). Cytogenetic location: 20p13.
Variant type: single nucleotide variant.
Coding change: c.787A>G on transcript NM_177559.3 (MANE Select); coding-DNA position 787, A replaced by G.
Protein change: p.Ile263Val; replaces isoleucine 263 with valine.
Molecular consequence: missense variant.
Genome position (GRCh38, 1-based): chr20:488,715, T>C on the plus strand (A>G on the coding strand, the complement: CSNK2A1 is on the minus strand). VCF-style: chr20-488715-T-C. GRCh37 (hg19) VCF-style: chr20-469359-T-C.
Other names: c.787A>G, p.Ile263Val (NM_001362770.2, NM_001362771.2, NM_001895.4); c.379A>G, p.Ile127Val (NM_177560.3); short protein forms I127V, I263V.
Identifiers: ClinVar variation 4880921 (VCV004880921.2).

ClinVar aggregate classification (germline): Uncertain significance (1 of 4 stars; one submission).

gnomAD v4.1: 1 of 1,613,932 alleles (0.000062%); highest among the groups gnomAD compares: Non-Finnish European, 0.000085%; no homozygotes.

Submission:

Dasa
Classification: Uncertain significance. Last evaluated: 2024-08-10. Review status: criteria provided, single submitter. Criteria: DASA Assertion Criteria. Collection method: clinical testing. Allele origin: germline.
Comment: NM_177559.3(CSNK2A1):c.787A>G (p.Ile263Val) is a missense variant that results in the substitution of isoleucine with valine. The affected residue or protein region has prior evidence supporting clinical relevance. This variant is rare in population databases. Computational prediction algorithms are consistent with a benign effect. The currently available literature and clinical evidence are not sufficient to establish a definitive association between this variant and the reported condition. Therefore, this variant is classified as a variant of uncertain significance.